The following is an entry in ClinVar:

ClinVar aggregate classification (germline): Likely benign (1 of 4 stars; one submission).

Submission:

CeGaT Center for Human Genetics Tuebingen
Classification: Likely benign. Last evaluated: 2022-05-01. Review status: criteria provided, single submitter. Criteria: CeGaT Center For Human Genetics Tuebingen Variant Classification Criteria Version 2. Collection method: clinical testing. Allele origin: germline. Affected: yes. Observed: 1 variant allele.
Comment: PRG4: PM2:Supporting, BP4, BP7

NM_005807.6(PRG4):c.2262T>C (p.Pro754=)

Gene: PRG4 (proteoglycan 4; plus strand). Cytogenetic location: 1q31.1.
Variant type: single nucleotide variant.
Coding change: c.2262T>C on transcript NM_005807.6 (MANE Select); coding-DNA position 2262, T replaced by C.
Protein change: p.Pro754=; no amino-acid change (proline 754 retained).
Molecular consequence: synonymous variant.
Genome position (GRCh38, 1-based): chr1:186,307,981, T>C. VCF-style: chr1-186307981-T-C. GRCh37 (hg19) VCF-style: chr1-186277113-T-C.
Other names: c.2139T>C, p.Pro713= (NM_001127708.3); c.1983T>C, p.Pro661= (NM_001127709.3); c.1860T>C, p.Pro620= (NM_001127710.3); c.2133T>C, p.Pro711= (NM_001303232.2).
Identifiers: ClinVar variation 2639659 (VCV002639659.24), dbSNP rs2526404060, ClinGen allele CA422516117.